The following is an entry in ClinVar:

ClinVar aggregate classification (germline): Uncertain significance (1 of 4 stars; one submission).

Conditions:
Cardiovascular phenotype. Identifiers: MedGen CN230736.

Submission:

Ambry Genetics
Classification: Uncertain significance for Cardiovascular phenotype. Last evaluated: 2025-07-30. Review status: criteria provided, single submitter. Criteria: Ambry Variant Classification Scheme 2023. Collection method: clinical testing. Allele origin: germline.
Comment: The p.M1314I variant (also known as c.3942G>A), located in coding exon 26 of the MYH6 gene, results from a G to A substitution at nucleotide position 3942. The methionine at codon 1314 is replaced by isoleucine, an amino acid with highly similar properties. This amino acid position is conserved. In addition, this alteration is predicted to be tolerated by in silico analysis. Based on the available evidence, the clinical significance of this variant remains unclear.

NM_002471.4(MYH6):c.3942G>A (p.Met1314Ile)

Gene: MYH6 (myosin heavy chain 6; minus strand). Cytogenetic location: 14q11.2.
Variant type: single nucleotide variant.
Coding change: c.3942G>A on transcript NM_002471.4 (MANE Select); coding-DNA position 3942, G replaced by A.
Protein change: p.Met1314Ile; replaces methionine 1314 with isoleucine.
Molecular consequence: missense variant.
Genome position (GRCh38, 1-based): chr14:23,389,429, C>T on the plus strand (G>A on the coding strand, the complement: MYH6 is on the minus strand). VCF-style: chr14-23389429-C-T. GRCh37 (hg19) VCF-style: chr14-23858638-C-T.
Other names: short protein forms M1314I.
Identifiers: ClinVar variation 4114840 (VCV004114840.1).